The following is an entry in ClinVar:

NM_003906.5(MCM3AP):c.305C>T (p.Ser102Leu)

Genes: MCM3AP (minichromosome maintenance complex component 3 associated protein; minus strand), YBEY (ybeY metalloendoribonuclease; plus strand). Cytogenetic location: 21q22.3.
Variant type: single nucleotide variant.
Coding change: c.305C>T on transcript NM_003906.5 (MANE Select); coding-DNA position 305, C replaced by T.
Protein change: p.Ser102Leu; replaces serine 102 with leucine.
Molecular consequence: missense variant.
Genome position (GRCh38, 1-based): chr21:46,284,982, G>A on the plus strand (C>T on the coding strand, the complement: MCM3AP is on the minus strand). VCF-style: chr21-46284982-G-A. GRCh37 (hg19) VCF-style: chr21-47704896-G-A.
Other names: p.Ser102Leu; short protein forms S102L.
Identifiers: ClinVar variation 403613 (VCV000403613.16), dbSNP rs9975588, ClinGen allele CA10077373.
Genomic context (GRCh38, chr21:46,284,982, plus strand): 5'-GGGAAAGCCCCAACACTGGTGGGTGATTTAAAACTAAATCCTGTGTTTCCCAGCACAGAT[G>A]AACTTGAAGGCCCAGAGGTAGCCACAAAGGTGGAAGTGTGCTCAAGTCCAGAAAAGGGTC-3'
Protein context (NP_003897.2, residues 92-112): TFVATSGPSS[Ser102Leu]SVLGNTGFSF

ClinVar aggregate classification (germline): Benign. Review status: criteria provided, multiple submitters, no conflicts (2 of 4 stars). 5 submissions from 5 submitters: Benign (5). Last evaluated 2026-02-04.

Allele frequency attached by ClinVar (database versions not stated): 1000 Genomes Project 30x 0.24672; 1000 Genomes Project 0.24860; TOPMed 0.30870; gnomAD exomes 0.31908 and 0.36636; gnomAD 0.31131 and 0.31460; ExAC 0.32412; ESP Exome Variant Server 0.33146.
gnomAD v4.1: 582,003 of 1,613,854 alleles (36%); highest among the groups gnomAD compares: Middle Eastern, 40%; 108,973 homozygotes.

Submissions (5):

Labcorp Genetics (formerly Invitae), Labcorp
Classification: Benign. Last evaluated: 2026-02-04. Review status: criteria provided, single submitter. Criteria: Invitae Variant Classification Sherloc (09022015). Collection method: clinical testing. Allele origin: germline.

Mayo Clinic Laboratories, Mayo Clinic
Classification: Benign. Last evaluated: 2022-12-15. Review status: criteria provided, single submitter. Criteria: ACMG Guidelines, 2015. Collection method: clinical testing. Allele origin: germline. Observed: 699 variant alleles.

GeneDx
Classification: Benign. Last evaluated: 2021-05-04. Review status: criteria provided, single submitter. Criteria: GeneDx Variant Classification Process June 2021. Collection method: clinical testing. Allele origin: germline. Affected: yes.
Comment: This variant is associated with the following publications: (PMID: 16574953)

Laboratory for Molecular Medicine, Mass General Brigham Personalized Medicine
Classification: Benign. Last evaluated: 2016-03-29. Review status: criteria provided, single submitter. Criteria: LMM Criteria. Collection method: clinical testing. Allele origin: germline.
Comment: Variant identified in a genome or exome case(s) and assessed due to predicted null impact of the variant or pathogenic assertions in the literature or databases. Disclaimer: This variant has not undergone full assessment. The following are preliminary notes: Frequency

Breakthrough Genomics
Classification: Benign. Review status: criteria provided, single submitter. Criteria: ACMG Guidelines, 2015. Collection method: not provided. Allele origin: germline. Inheritance: Autosomal recessive inheritance. Affected: yes.